The following is an entry in ClinVar:

ClinVar aggregate classification (germline): Uncertain significance (1 of 4 stars; one submission).

Conditions:
Zellweger spectrum disorders (ZS). Also called: Zellweger Spectrum Disorder; Zellweger Spectrum; Zellweger Spectrum Disorder (ZSD); Zellweger syndrome. Identifiers: Orphanet 912, MedGen C0043459, MONDO:0019609.

Submission:

Labcorp Genetics (formerly Invitae), Labcorp
Classification: Uncertain significance for Zellweger spectrum disorders. Last evaluated: 2022-02-01. Review status: criteria provided, single submitter. Criteria: Invitae Variant Classification Sherloc (09022015). Collection method: clinical testing. Allele origin: germline.
Comment: In summary, the available evidence is currently insufficient to determine the role of this variant in disease. Therefore, it has been classified as a Variant of Uncertain Significance. Experimental studies and prediction algorithms are not available or were not evaluated, and the functional significance of this variant is currently unknown. This variant has not been reported in the literature in individuals affected with PEX1-related conditions. This variant is not present in population databases (gnomAD no frequency). This variant, c.300_302del, results in the deletion of 1 amino acid(s) of the PEX1 protein (p.Val101del), but otherwise preserves the integrity of the reading frame.

NM_000466.3(PEX1):c.300_302del (p.Val101del)

Gene: PEX1 (peroxisomal biogenesis factor 1; minus strand). Cytogenetic location: 7q21.2.
Variant type: Deletion.
Coding change: c.300_302del on transcript NM_000466.3 (MANE Select); coding-DNA positions 300 to 302, 3 bases deleted (GGT; older notation c.300_302delGGT).
Protein change: p.Val101del; deletes valine 101.
Molecular consequence: inframe deletion. On other transcripts: 5 prime UTR variant (1).
Genome position (GRCh38, 1-based): chr7:92,519,050-92,519,052, ACC deleted on the plus strand (GGT on the coding strand, the reverse complement: PEX1 is on the minus strand); deleting any 3 consecutive bases within chr7:92,519,050-92,519,054 gives the same sequence; the c. name uses the placement nearest the transcript's 3' end. VCF-style (leftmost placement, unchanged base first): chr7-92519049-TACC-T. GRCh37 (hg19) VCF-style: chr7-92148363-TACC-T.
Other names: c.300_302del, p.Val101del (NM_001282677.2); c.-360_-358del (NM_001282678.2); short protein forms V101del.
Identifiers: ClinVar variation 1977820 (VCV001977820.5), dbSNP rs2484706978, ClinGen allele CA2580077854.
Genomic context (GRCh38, chr7:92,519,049, plus strand): 5'-CTTTACCAGTATCTCCCAATCATCTGCTGAGAGGGGTTCCACCTCAACTTGTTGACAAGA[TACC>T]ACATGGGAACATGGCTTGAGAAATACCTAGAAAAAATTAAAAATTTAAAACTACTTTAAA-3'